The following is an entry in ClinVar:

ClinVar aggregate classification (germline): Conflicting classifications of pathogenicity. Review status: criteria provided, conflicting classifications (1 of 4 stars). 4 submissions from 4 submitters: Uncertain significance (3); Likely benign (1). Last evaluated 2025-07-01.

Conditions:
Cardiovascular phenotype. Identifiers: MedGen CN230736.

gnomAD v4.1: 173 of 1,589,258 alleles (0.011%); highest among the groups gnomAD compares: Middle Eastern, 0.017%; 1 homozygote.

Submissions (4):

CeGaT Center for Human Genetics Tuebingen
Classification: Likely benign. Last evaluated: 2025-07-01. Review status: criteria provided, single submitter. Criteria: CeGaT Center For Human Genetics Tuebingen Variant Classification Criteria Version 2. Collection method: clinical testing. Allele origin: germline. Affected: yes. Observed: 1 variant allele.
Comment: TNXB: BP4

Ambry Genetics
Classification: Uncertain significance for Cardiovascular phenotype. Last evaluated: 2023-06-06. Review status: criteria provided, single submitter. Criteria: Ambry Variant Classification Scheme 2023. Collection method: clinical testing. Allele origin: germline.
Comment: The p.R1255C variant (also known as c.3763C>T), located in coding exon 9 of the TNXB gene, results from a C to T substitution at nucleotide position 3763. The arginine at codon 1255 is replaced by cysteine, an amino acid with highly dissimilar properties. This amino acid position is not well conserved in available vertebrate species. In addition, this alteration is predicted to be tolerated by in silico analysis. Since supporting evidence is limited at this time, the clinical significance of this alteration remains unclear.

GeneDx
Classification: Uncertain significance. Last evaluated: 2022-08-10. Review status: criteria provided, single submitter. Criteria: GeneDx Variant Classification Process June 2021. Collection method: clinical testing. Allele origin: germline. Affected: yes.
Comment: Has not been previously published as pathogenic or benign to our knowledge; In silico analysis supports that this missense variant does not alter protein structure/function

Breakthrough Genomics
Classification: Uncertain significance. Review status: criteria provided, single submitter. Criteria: ACMG Guidelines, 2015. Collection method: not provided. Allele origin: germline. Inheritance: Autosomal recessive inheritance. Affected: yes.

NM_001365276.2(TNXB):c.3763C>T (p.Arg1255Cys)

Gene: TNXB (tenascin XB; minus strand). Cytogenetic location: 6p21.33.
Variant type: single nucleotide variant.
Coding change: c.3763C>T on transcript NM_001365276.2 (MANE Select); coding-DNA position 3763, C replaced by T.
Protein change: p.Arg1255Cys; replaces arginine 1255 with cysteine.
Molecular consequence: missense variant.
Genome position (GRCh38, 1-based): chr6:32,081,647, G>A on the plus strand (C>T on the coding strand, the complement: TNXB is on the minus strand). VCF-style: chr6-32081647-G-A. GRCh37 (hg19) VCF-style: chr6-32049424-G-A.
Other names: c.3763C>T, p.Arg1255Cys (NM_019105.8); short protein forms R1255C.
Identifiers: ClinVar variation 1195750 (VCV001195750.15), dbSNP rs376472382, ClinGen allele CA3735109.